The following is an entry in ClinVar:

ClinVar aggregate classification (germline): Pathogenic. Review status: criteria provided, multiple submitters, no conflicts (2 of 4 stars). 2 submissions from 2 submitters: Pathogenic (2). Last evaluated 2024-03-25.

Submissions (2):

GeneDx
Classification: Pathogenic. Last evaluated: 2024-03-25. Review status: criteria provided, single submitter. Criteria: GeneDx Variant Classification Process June 2021. Collection method: clinical testing. Allele origin: germline. Affected: yes.
Comment: Has not been previously published as pathogenic or benign to our knowledge; Not observed at significant frequency in large population cohorts (gnomAD); Deletions involving coding exons of this gene are a known mechanism of disease (HGMD); Damages or destroys the splice acceptor site in intron 33, and is expected to cause abnormal gene splicing; if the splice outcome is exon skip, the loss of the encoded residues in the triple helical region is expected to disrupt normal protein folding and function, and this is an established mechanism of disease (HGMD)

CeGaT Center for Human Genetics Tuebingen
Classification: Pathogenic. Last evaluated: 2021-12-01. Review status: criteria provided, single submitter. Criteria: CeGaT Center For Human Genetics Tuebingen Variant Classification Criteria Version 2. Collection method: clinical testing. Allele origin: germline. Affected: yes. Observed: 1 variant allele.

NM_000090.4(COL3A1):c.2338-2A>G

Genes: COL3A1 (collagen type III alpha 1 chain; plus strand), LOC126806446 (P300/CBP strongly-dependent group 1 enhancer GRCh37_chr2:189866210-189867409; plus strand). Cytogenetic location: 2q32.2.
Variant type: single nucleotide variant.
Coding change: c.2338-2A>G on transcript NM_000090.4 (MANE Select); the canonical splice acceptor site of the intron before coding-DNA position 2338, A replaced by G.
Molecular consequence: splice acceptor variant.
Genome position (GRCh38, 1-based): chr2:189,001,534, A>G. VCF-style: chr2-189001534-A-G. GRCh37 (hg19) VCF-style: chr2-189866260-A-G.
Identifiers: ClinVar variation 199729 (VCV000199729.35), dbSNP rs794728050, ClinGen allele CA005344.